The following is an entry in ClinVar:

NM_138576.4(BCL11B):c.2329C>T (p.Pro777Ser)

Gene: BCL11B (BCL11 transcription factor B; minus strand). Cytogenetic location: 14q32.2.
Variant type: single nucleotide variant.
Coding change: c.2329C>T on transcript NM_138576.4 (MANE Select); coding-DNA position 2329, C replaced by T.
Protein change: p.Pro777Ser; replaces proline 777 with serine.
Molecular consequence: missense variant.
Genome position (GRCh38, 1-based): chr14:99,174,507, G>A on the plus strand (C>T on the coding strand, the complement: BCL11B is on the minus strand). VCF-style: chr14-99174507-G-A. GRCh37 (hg19) VCF-style: chr14-99640844-G-A.
Other names: c.2326C>T, p.Pro776Ser (NM_001282237.2); c.2113C>T, p.Pro705Ser (NM_001282238.2); c.2116C>T, p.Pro706Ser (NM_022898.3); short protein forms P776S, P705S, P706S, P777S.
Identifiers: ClinVar variation 3658010 (VCV003658010.2).

ClinVar aggregate classification (germline): Uncertain significance (1 of 4 stars; one submission).

Submission:

Labcorp Genetics (formerly Invitae), Labcorp
Classification: Uncertain significance. Last evaluated: 2024-06-26. Review status: criteria provided, single submitter. Criteria: Invitae Variant Classification Sherloc (09022015). Collection method: clinical testing. Allele origin: germline.
Comment: This sequence change replaces proline, which is neutral and non-polar, with serine, which is neutral and polar, at codon 777 of the BCL11B protein (p.Pro777Ser). This variant is not present in population databases (gnomAD no frequency). This variant has not been reported in the literature in individuals affected with BCL11B-related conditions. Advanced modeling of protein sequence and biophysical properties (such as structural, functional, and spatial information, amino acid conservation, physicochemical variation, residue mobility, and thermodynamic stability) performed at Invitae indicates that this missense variant is not expected to disrupt BCL11B protein function with a negative predictive value of 80%. In summary, the available evidence is currently insufficient to determine the role of this variant in disease. Therefore, it has been classified as a Variant of Uncertain Significance.